The following is an entry in ClinVar:

ClinVar aggregate classification (germline): Conflicting classifications of pathogenicity. Review status: criteria provided, conflicting classifications (1 of 4 stars). 3 submissions from 3 submitters: Likely pathogenic (1); Uncertain significance (2). Last evaluated 2024-10-16.

Conditions:
X-linked Alport syndrome (ATS1). Also called: NEPHROPATHY AND DEAFNESS, X-LINKED; COL4A5-Related Nephropathy. Identifiers: Orphanet 63, Orphanet 88917, MedGen C4746986, MONDO:0010520, OMIM 301050.

Submissions (3):

MVZ Medizinische Genetik Mainz
Classification: Uncertain significance for X-linked Alport syndrome. Last evaluated: 2024-10-16. Review status: criteria provided, single submitter. Criteria: UK Practice Guidelines For Variant Classification V4 01 2020. Collection method: clinical testing. Allele origin: germline. Inheritance: X-linked dominant inheritance. Affected: yes. Observed: 3 variant alleles. Clinical features observed: Renal insufficiency (HP:0000083), Proteinuria (HP:0000093), Microscopic hematuria (HP:0002907), Glomerular sclerosis (HP:0000096), Focal segmental glomerulosclerosis (HP:0000097), Nephrotic syndrome (HP:0000100), Abnormal renal physiology (HP:0012211).
Comment: ACMG Criteria: PP3_MOD,PM2_SUP,PP4

MVZ Martinsried, Medicover Genetics
Classification: Likely pathogenic for X-linked Alport syndrome. Last evaluated: 2024-09-28. Review status: criteria provided, single submitter. Criteria: ACGS Guidelines, 2020. Collection method: clinical testing. Allele origin: unknown. Affected: yes.

Blueprint Genetics
Classification: Uncertain significance. Last evaluated: 2023-09-25. Review status: criteria provided, single submitter. Criteria: ACMG Guidelines, 2015. Collection method: clinical testing. Allele origin: germline.

NM_033380.3(COL4A5):c.2446C>T (p.Pro816Ser)

Gene: COL4A5 (collagen type IV alpha 5 chain; plus strand). Cytogenetic location: Xq22.3.
Variant type: single nucleotide variant.
Coding change: c.2446C>T on transcript NM_033380.3 (MANE Select); coding-DNA position 2446, C replaced by T.
Protein change: p.Pro816Ser; replaces proline 816 with serine.
Molecular consequence: missense variant.
Genome position (GRCh38, 1-based): chrX:108,614,961, C>T. VCF-style: chrX-108614961-C-T. GRCh37 (hg19) VCF-style: chrX-107858191-C-T.
Other names: c.2446C>T, p.Pro816Ser (NM_000495.5); short protein forms P816S.
Identifiers: ClinVar variation 3068399 (VCV003068399.4), dbSNP rs2524375503, ClinGen allele CA413849932.